The following is an entry in ClinVar:

NM_000275.3(OCA2):c.1275_1277del (p.Met425del)

Gene: OCA2 (OCA2 melanosomal transmembrane protein; minus strand). Cytogenetic location: 15q13.1.
Variant type: Deletion.
Coding change: c.1275_1277del on transcript NM_000275.3 (MANE Select); coding-DNA positions 1275 to 1277, 3 bases deleted (GAT; older notation c.1275_1277delGAT).
Protein change: p.Met425del; deletes methionine 425.
Molecular consequence: inframe deletion.
Genome position (GRCh38, 1-based): chr15:27,985,151-27,985,153, ATC deleted on the plus strand (GAT on the coding strand, the reverse complement: OCA2 is on the minus strand); deleting any 3 consecutive bases within chr15:27,985,151-27,985,155 gives the same sequence; the c. name uses the placement nearest the transcript's 3' end. VCF-style (leftmost placement, unchanged base first): chr15-27985150-GATC-G. GRCh37 (hg19) VCF-style: chr15-28230296-GATC-G.
Other names: c.1203_1205del, p.Met401del (NM_001300984.2); c.1275_1277delGAT (NM_000275.2); short protein forms M425del, M401del.
Identifiers: ClinVar variation 1446895 (VCV001446895.9), dbSNP rs752510351, ClinGen allele CA7439095.

ClinVar aggregate classification (germline): Conflicting classifications of pathogenicity. Review status: criteria provided, conflicting classifications (1 of 4 stars). 3 submissions from 3 submitters: Pathogenic (1); Likely pathogenic (1); Uncertain significance (1). Last evaluated 2025-12-13.

Conditions:
Tyrosinase-positive oculocutaneous albinism (OCA2). Also called: ALBINISM II; Oculocutaneous albinism type 2; Albinism, oculocutaneous, type II. Identifiers: Orphanet 79432, MedGen C0268495, MONDO:0008746, OMIM 203200.
SKIN/HAIR/EYE PIGMENTATION 1, BLUE/NONBLUE EYES (SHEP1). Also called: BROWN EYE COLOR 2; EYE COLOR 3; EYE COLOR, BLUE/NONBLUE; EYE COLOR, BROWN/BLUE; HAIR COLOR 3; SKIN/HAIR/EYE PIGMENTATION 1, BLOND/BROWN HAIR. Identifiers: MedGen C1856895, OMIM 227220.
OCA2-related disorder. Also called: OCA2-related condition.

Submissions (3):

Labcorp Genetics (formerly Invitae), Labcorp
Classification: Pathogenic. Last evaluated: 2025-12-13. Review status: criteria provided, single submitter. Criteria: Invitae Variant Classification Sherloc (09022015). Collection method: clinical testing. Allele origin: germline.
Comment: This variant, c.1275_1277del, results in the deletion of 1 amino acid(s) of the OCA2 protein (p.Met425del), but otherwise preserves the integrity of the reading frame. This variant is present in population databases (rs752510351, gnomAD 0.02%). This variant has been observed in individual(s) with oculocutaneous albinism (PMID: 7874125; internal data). In at least one individual the data is consistent with being in trans (on the opposite chromosome) from a pathogenic variant. ClinVar contains an entry for this variant (Variation ID: 1446895). For these reasons, this variant has been classified as Pathogenic.

Fulgent Genetics
Classification: Likely pathogenic for Tyrosinase-positive oculocutaneous albinism; SKIN/HAIR/EYE PIGMENTATION 1, BLUE/NONBLUE EYES. Last evaluated: 2024-06-18. Review status: criteria provided, single submitter. Criteria: ACMG Guidelines, 2015. Collection method: clinical testing. Allele origin: germline.

PreventionGenetics, part of Exact Sciences
Classification: Uncertain significance for OCA2-related condition. Last evaluated: 2022-11-05. Review status: criteria provided, single submitter. Criteria: ACMG Guidelines, 2015. Collection method: clinical testing. Allele origin: germline.
Comment: The OCA2 c.1275_1277delGAT variant is predicted to result in an in-frame deletion (p.Met425del). This variant has been reported in the hemizygous state, along with a whole exon deletion in OCA2, in an individual with mild oculocutaneous albinism (Patient 7 in Lee et al. 1994. PubMed ID: 7874125). This variant is reported in 0.020% of alleles in individuals of African descent in gnomAD. Although we suspect that this variant may be pathogenic, at this time, the clinical significance of this variant is uncertain due to the absence of conclusive functional and genetic evidence.

Literature cited by the submitters: PubMed 7874125 (cited by Labcorp Genetics (formerly Invitae), Labcorp).